The following is an entry in ClinVar:

NC_012920.1(MT-ND6):m.14627A>G

Gene: MT-ND6 (mitochondrially encoded NADH dehydrogenase 6; minus strand).
Variant type: single nucleotide variant.
Genome position: chrM-14627-A-G.
Identifiers: ClinVar variation 693748 (VCV000693748.1), dbSNP rs1603224811, ClinGen allele CA414823337.
Genomic context (GRCh38, chrMT:14,627, plus strand): 5'-CCGCTAACAATCAATACTAAACCCCCATAAATAGGAGAAGGCTTAGAAGAAAACCCCACA[A>G]ACCCCATTACTAAACCCACACTCAACAGAAACAAAGCATACATCATTATTCTCGCACGGA-3'

ClinVar aggregate classification (germline): Uncertain significance (1 of 4 stars; one submission).

Conditions:
Leigh syndrome (NULS). Also called: Leigh's necrotizing encephalopathy; Leigh's disease; Leigh's syndrome; LEIGH SYNDROME, NUCLEAR; Leigh Syndrome (mtDNA deletion); Leigh Disease. Identifiers: Orphanet 506, MedGen C2931891, MONDO:0009723, OMIM 256000.

Submission:

Wong Mito Lab, Molecular and Human Genetics, Baylor College of Medicine
Classification: Uncertain significance for Leigh syndrome. Last evaluated: 2019-10-17. Review status: criteria provided, single submitter. Criteria: Modified ACMG Guidelines (Unpublished). Collection method: clinical testing. Allele origin: germline.
Comment: The NC_012920.1:m.14627A>G (YP_003024037.1:p.Phe16Ser) variant in MTND6 gene is interpretated to be a Uncertain Significance variant based on the modified ACMG guidelines (unpublished). This variant meets the following evidence codes: BS4